The following is an entry in ClinVar:

NM_016148.5(SHANK1):c.1413G>C (p.Gln471His)

Gene: SHANK1 (SH3 and multiple ankyrin repeat domains 1; minus strand). Cytogenetic location: 19q13.33.
Variant type: single nucleotide variant.
Coding change: c.1413G>C on transcript NM_016148.5 (MANE Select); coding-DNA position 1413, G replaced by C.
Protein change: p.Gln471His; replaces glutamine 471 with histidine.
Molecular consequence: missense variant.
Genome position (GRCh38, 1-based): chr19:50,703,640, C>G on the plus strand (G>C on the coding strand, the complement: SHANK1 is on the minus strand). VCF-style: chr19-50703640-C-G. GRCh37 (hg19) VCF-style: chr19-51206897-C-G.
Other names: short protein forms Q471H.
Identifiers: ClinVar variation 2580099 (VCV002580099.1), dbSNP rs2088898252, ClinGen allele CA407035286.

ClinVar aggregate classification (germline): Uncertain significance (1 of 4 stars; one submission).

Allele frequency attached by ClinVar (database versions not stated): TOPMed below 0.00001.
gnomAD v4.1: 1 of 1,540,518 alleles (0.000065%); highest among the groups gnomAD compares: Admixed American, 0.002%; no homozygotes.

Submission:

GeneDx
Classification: Uncertain significance. Last evaluated: 2023-03-14. Review status: criteria provided, single submitter. Criteria: GeneDx Variant Classification Process June 2021. Collection method: clinical testing. Allele origin: germline. Affected: yes.
Comment: Not observed at significant frequency in large population cohorts (gnomAD); In silico analysis supports that this missense variant does not alter protein structure/function; Has not been previously published as pathogenic or benign to our knowledge